The following is an entry in ClinVar:

ClinVar aggregate classification (germline): Uncertain significance. Review status: criteria provided, multiple submitters, no conflicts (2 of 4 stars). 2 submissions from 2 submitters: Uncertain significance (2). Last evaluated 2025-03-19.

Conditions:
Idiopathic generalized epilepsy. Also called: EIG; Generalised epilepsy. Identifiers: MedGen C0270850, MONDO:0005579, OMIM 600669.
Inborn genetic diseases. Identifiers: MedGen C0950123, MeSH D030342.

Submissions (2):

Labcorp Genetics (formerly Invitae), Labcorp
Classification: Uncertain significance for Idiopathic generalized epilepsy. Last evaluated: 2025-03-19. Review status: criteria provided, single submitter. Criteria: Invitae Variant Classification Sherloc (09022015). Collection method: clinical testing. Allele origin: germline.
Comment: This sequence change replaces glycine, which is neutral and non-polar, with arginine, which is basic and polar, at codon 205 of the GABRD protein (p.Gly205Arg). This variant is present in population databases (rs747781422, gnomAD 0.005%). This variant has not been reported in the literature in individuals affected with GABRD-related conditions. ClinVar contains an entry for this variant (Variation ID: 3280401). An algorithm developed to predict the effect of missense changes on protein structure and function (PolyPhen-2) suggests that this variant is likely to be disruptive. In summary, the available evidence is currently insufficient to determine the role of this variant in disease. Therefore, it has been classified as a Variant of Uncertain Significance.

Ambry Genetics
Classification: Uncertain significance for Inborn genetic diseases. Last evaluated: 2024-06-11. Review status: criteria provided, single submitter. Criteria: Ambry Variant Classification Scheme 2023. Collection method: clinical testing. Allele origin: germline.

NM_000815.5(GABRD):c.613G>A (p.Gly205Arg)

Gene: GABRD (gamma-aminobutyric acid type A receptor subunit delta; plus strand). Cytogenetic location: 1p36.33.
Variant type: single nucleotide variant.
Coding change: c.613G>A on transcript NM_000815.5 (MANE Select); coding-DNA position 613, G replaced by A.
Protein change: p.Gly205Arg; replaces glycine 205 with arginine.
Molecular consequence: missense variant.
Genome position (GRCh38, 1-based): chr1:2,028,214, G>A. VCF-style: chr1-2028214-G-A. GRCh37 (hg19) VCF-style: chr1-1959653-G-A.
Other names: short protein forms G205R.
Identifiers: ClinVar variation 3280401 (VCV003280401.2).